The following is an entry in ClinVar:

ClinVar aggregate classification (germline): Likely benign. Review status: criteria provided, multiple submitters, no conflicts (2 of 4 stars). 2 submissions from 2 submitters: Likely benign (2). Last evaluated 2026-01-19.

Conditions:
ABCC6-related disorder. Also called: ABCC6-related condition.

Allele frequency attached by ClinVar (database versions not stated): TOPMed 0.00002; gnomAD 0.00005.
gnomAD v4.1: 65 of 1,613,640 alleles (0.004%); highest among the groups gnomAD compares: Middle Eastern, 0.049%; no homozygotes.

Submissions (2):

Labcorp Genetics (formerly Invitae), Labcorp
Classification: Likely benign. Last evaluated: 2026-01-19. Review status: criteria provided, single submitter. Criteria: Invitae Variant Classification Sherloc (09022015). Collection method: clinical testing. Allele origin: germline.

PreventionGenetics, part of Exact Sciences
Classification: Likely benign for ABCC6-related condition. Last evaluated: 2025-02-07. Review status: criteria provided, single submitter. Criteria: ACMG Guidelines, 2015. Collection method: clinical testing. Allele origin: germline.
Comment: This variant is classified as likely benign based on ACMG/AMP sequence variant interpretation guidelines (Richards et al. 2015 PMID: 25741868, with internal and published modifications).

NM_001171.6(ABCC6):c.1636-7C>A

Gene: ABCC6 (ATP binding cassette subfamily C member 6; minus strand). Cytogenetic location: 16p13.11.
Variant type: single nucleotide variant.
Coding change: c.1636-7C>A on transcript NM_001171.6 (MANE Select); 7 bases into the intron before coding-DNA position 1636, C replaced by A.
Molecular consequence: intron variant.
Genome position (GRCh38, 1-based): chr16:16,188,981, G>T on the plus strand (C>A on the coding strand, the complement: ABCC6 is on the minus strand). VCF-style: chr16-16188981-G-T. GRCh37 (hg19) VCF-style: chr16-16282838-G-T.
Other names: c.1294-7C>A (NM_001351800.1); c.1636-7C>A (NM_001171.5).
Identifiers: ClinVar variation 2178322 (VCV002178322.5), dbSNP rs763037164, ClinGen allele CA7926213.